The following is an entry in ClinVar:

NM_001035.3(RYR2):c.11528T>C (p.Leu3843Pro)

Gene: RYR2 (ryanodine receptor 2; plus strand). Cytogenetic location: 1q43.
Variant type: single nucleotide variant.
Coding change: c.11528T>C on transcript NM_001035.3 (MANE Select); coding-DNA position 11528, T replaced by C.
Protein change: p.Leu3843Pro; replaces leucine 3843 with proline.
Molecular consequence: missense variant.
Genome position (GRCh38, 1-based): chr1:237,770,858, T>C. VCF-style: chr1-237770858-T-C. GRCh37 (hg19) VCF-style: chr1-237934158-T-C.
Other names: short protein forms L3843P.
Identifiers: ClinVar variation 2701463 (VCV002701463.3), dbSNP rs2527597122, ClinGen allele CA345406733.

ClinVar aggregate classification (germline): Uncertain significance (1 of 4 stars; one submission).

Conditions:
Catecholaminergic polymorphic ventricular tachycardia 1. Also called: VENTRICULAR TACHYCARDIA, CATECHOLAMINERGIC POLYMORPHIC, 1, WITH OR WITHOUT ATRIAL DYSFUNCTION AND/OR DILATED CARDIOMYOPATHY; VENTRICULAR TACHYCARDIA, STRESS-INDUCED POLYMORPHIC 1; RYR2-Related Catecholaminergic Polymorphic Ventricular Tachycardia. Identifiers: Orphanet 3286, MedGen C1631597, MONDO:0011484, OMIM 604772.

Submission:

Labcorp Genetics (formerly Invitae), Labcorp
Classification: Uncertain significance for Catecholaminergic polymorphic ventricular tachycardia 1. Last evaluated: 2023-12-08. Review status: criteria provided, single submitter. Criteria: Invitae Variant Classification Sherloc (09022015). Collection method: clinical testing. Allele origin: germline.
Comment: This sequence change replaces leucine, which is neutral and non-polar, with proline, which is neutral and non-polar, at codon 3843 of the RYR2 protein (p.Leu3843Pro). This variant is not present in population databases (gnomAD no frequency). This variant has not been reported in the literature in individuals affected with RYR2-related conditions. Advanced modeling of protein sequence and biophysical properties (such as structural, functional, and spatial information, amino acid conservation, physicochemical variation, residue mobility, and thermodynamic stability) performed at Invitae indicates that this missense variant is expected to disrupt RYR2 protein function with a positive predictive value of 95%. In summary, the available evidence is currently insufficient to determine the role of this variant in disease. Therefore, it has been classified as a Variant of Uncertain Significance.